The following is an entry in ClinVar:

ClinVar aggregate classification (germline): Uncertain significance (1 of 4 stars; one submission).

Submission:

Labcorp Genetics (formerly Invitae), Labcorp
Classification: Uncertain significance. Last evaluated: 2024-03-21. Review status: criteria provided, single submitter. Criteria: Invitae Variant Classification Sherloc (09022015). Collection method: clinical testing. Allele origin: germline.
Comment: This sequence change replaces lysine, which is basic and polar, with threonine, which is neutral and polar, at codon 617 of the COL4A1 protein (p.Lys617Thr). This variant is not present in population databases (gnomAD no frequency). This variant has not been reported in the literature in individuals affected with COL4A1-related conditions. An algorithm developed to predict the effect of missense changes on protein structure and function (PolyPhen-2) suggests that this variant is likely to be tolerated. In summary, the available evidence is currently insufficient to determine the role of this variant in disease. Therefore, it has been classified as a Variant of Uncertain Significance.

NM_001845.6(COL4A1):c.1850A>C (p.Lys617Thr)

Gene: COL4A1 (collagen type IV alpha 1 chain; minus strand). Cytogenetic location: 13q34.
Variant type: single nucleotide variant.
Coding change: c.1850A>C on transcript NM_001845.6 (MANE Select); coding-DNA position 1850, A replaced by C.
Protein change: p.Lys617Thr; replaces lysine 617 with threonine.
Molecular consequence: missense variant.
Genome position (GRCh38, 1-based): chr13:110,186,432, T>G on the plus strand (A>C on the coding strand, the complement: COL4A1 is on the minus strand). VCF-style: chr13-110186432-T-G. GRCh37 (hg19) VCF-style: chr13-110838779-T-G.
Other names: short protein forms K617T.
Identifiers: ClinVar variation 2708113 (VCV002708113.3), dbSNP rs2501798311, ClinGen allele CA388722608.